The following is an entry in ClinVar:

NM_020937.4(FANCM):c.5903A>G (p.Asn1968Ser)

Gene: FANCM (FA complementation group M; plus strand). Cytogenetic location: 14q21.2.
Variant type: single nucleotide variant.
Coding change: c.5903A>G on transcript NM_020937.4 (MANE Select); coding-DNA position 5903, A replaced by G.
Protein change: p.Asn1968Ser; replaces asparagine 1968 with serine.
Molecular consequence: missense variant.
Genome position (GRCh38, 1-based): chr14:45,198,830, A>G. VCF-style: chr14-45198830-A-G. GRCh37 (hg19) VCF-style: chr14-45668033-A-G.
Other names: c.5825A>G, p.Asn1942Ser (NM_001308133.2); short protein forms N1942S, N1968S.
Identifiers: ClinVar variation 2161335 (VCV002161335.4), dbSNP rs1890214206, ClinGen allele CA389587291.

ClinVar aggregate classification (germline): Uncertain significance (1 of 4 stars; one submission).

Conditions:
Fanconi anemia (FA). Also called: Fanconi's anemia. Identifiers: Orphanet 84, MedGen C0015625, MeSH D005199, MONDO:0019391.

Allele frequency attached by ClinVar (database versions not stated): gnomAD exomes below 0.00001.
gnomAD v4.1: 4 of 1,613,720 alleles (0.00025%); highest among the groups gnomAD compares: Non-Finnish European, 0.00025%; no homozygotes.

Submission:

Labcorp Genetics (formerly Invitae), Labcorp
Classification: Uncertain significance for Fanconi anemia. Last evaluated: 2022-10-05. Review status: criteria provided, single submitter. Criteria: Invitae Variant Classification Sherloc (09022015). Collection method: clinical testing. Allele origin: germline.
Comment: In summary, the available evidence is currently insufficient to determine the role of this variant in disease. Therefore, it has been classified as a Variant of Uncertain Significance. Algorithms developed to predict the effect of missense changes on protein structure and function output the following: SIFT: "Tolerated"; PolyPhen-2: "Benign"; Align-GVGD: "Class C0". The serine amino acid residue is found in multiple mammalian species, which suggests that this missense change does not adversely affect protein function. This variant has not been reported in the literature in individuals affected with FANCM-related conditions. This variant is not present in population databases (gnomAD no frequency). This sequence change replaces asparagine, which is neutral and polar, with serine, which is neutral and polar, at codon 1968 of the FANCM protein (p.Asn1968Ser).